The following is an entry in ClinVar:

ClinVar aggregate classification (germline): Uncertain significance (1 of 4 stars; one submission).

Conditions:
Methylcobalamin deficiency type cblG (HMAG). Also called: HOMOCYSTINURIA-MEGALOBLASTIC ANEMIA, cblG COMPLEMENTATION TYPE; HOMOCYSTINURIA-MEGALOBLASTIC ANEMIA, cblG TYPE; HOMOCYSTINURIA-MEGALOBLASTIC ANEMIA DUE TO DEFECT IN COBALAMIN METABOLISM, cblG COMPLEMENTATION TYPE; Functional methionine synthase deficiency type cblG. Identifiers: Orphanet 2170, Orphanet 622, MedGen C1855128, MONDO:0009609, OMIM 250940.

Allele frequency attached by ClinVar (database versions not stated): ExAC 0.00001; gnomAD 0.00001; TOPMed 0.00001; gnomAD exomes 0.00002.
gnomAD v4.1: 16 of 1,614,090 alleles (0.00099%); highest among the groups gnomAD compares: Non-Finnish European, 0.0014%; no homozygotes.

Submission:

Labcorp Genetics (formerly Invitae), Labcorp
Classification: Uncertain significance for Methylcobalamin deficiency type cblG. Last evaluated: 2021-09-01. Review status: criteria provided, single submitter. Criteria: Invitae Variant Classification Sherloc (09022015). Collection method: clinical testing. Allele origin: germline.
Comment: This sequence change replaces lysine with arginine at codon 1000 of the MTR protein (p.Lys1000Arg). The lysine residue is highly conserved and there is a small physicochemical difference between lysine and arginine. This variant is present in population databases (rs755595867, ExAC 0.001%). This variant has not been reported in the literature in individuals affected with MTR-related conditions. Algorithms developed to predict the effect of missense changes on protein structure and function output the following: SIFT: "Tolerated"; PolyPhen-2: "Benign"; Align-GVGD: "Class C0". The arginine amino acid residue is found in multiple mammalian species, which suggests that this missense change does not adversely affect protein function. Algorithms developed to predict the effect of sequence changes on RNA splicing suggest that this variant may create or strengthen a splice site. In summary, the available evidence is currently insufficient to determine the role of this variant in disease. Therefore, it has been classified as a Variant of Uncertain Significance.

NM_000254.3(MTR):c.2999A>G (p.Lys1000Arg)

Gene: MTR (5-methyltetrahydrofolate-homocysteine methyltransferase; plus strand). Cytogenetic location: 1q43.
Variant type: single nucleotide variant.
Coding change: c.2999A>G on transcript NM_000254.3 (MANE Select); coding-DNA position 2999, A replaced by G.
Protein change: p.Lys1000Arg; replaces lysine 1000 with arginine.
Molecular consequence: missense variant.
Genome position (GRCh38, 1-based): chr1:236,889,328, A>G. VCF-style: chr1-236889328-A-G. GRCh37 (hg19) VCF-style: chr1-237052628-A-G.
Other names: c.2846A>G, p.Lys949Arg (NM_001291939.1); c.1778A>G, p.Lys593Arg (NM_001291940.2); short protein forms K1000R, K593R, K949R.
Identifiers: ClinVar variation 1504154 (VCV001504154.5), dbSNP rs755595867, ClinGen allele CA1474577.
Genomic context (GRCh38, chr1:236,889,328, plus strand): 5'-ATGTCTGGCAGCTCCGGGGCAAGTACCCGAATCGAGGCTTTCCCAAGATATTTAACGACA[A>G]AACAGTAGGTTAGTGCAGTAAGTCCTTCCTTTCTGCCTCTGATATTCAAGCTGTGGGATT-3'
Protein context (NP_000245.2, residues 990-1010): NRGFPKIFND[Lys1000Arg]TVGGEARKVY